The following is an entry in ClinVar:

ClinVar aggregate classification (germline): Uncertain significance (1 of 4 stars; one submission).

Submission:

GeneDx
Classification: Uncertain significance. Last evaluated: 2016-10-28. Review status: criteria provided, single submitter. Criteria: GeneDx Variant Classification (06012015). Collection method: clinical testing. Allele origin: germline. Affected: yes.
Comment: A variant of uncertain significance has been identified in the FGFR3 gene. The c.2374dupG variant has not been published as a pathogenic variant, nor has it been reported as a benign variant to our knowledge. The c.2374dupG variant causes a frameshift starting with codon Aspartic acid 792, changes this amino acid residue to a Glycine and creates a Stop codon at position 25 of the new reading frame, denoted p.Asp792GlyfsX25. This variant causes the last 15 amino acids of the normal FGFR3 protein to be replaced with 24 incorrect amino acids. This is expected to create a truncated, abnormal FGFR3 protein; however, it is not known if the resultant protein would lack normal function or activity. The c.2374dupG variant was not observed in approximately 6500 individuals of European and African American ancestry in the NHLBI Exome Sequencing Project, indicating it is not a common benign variant in these populations.

NM_000142.5(FGFR3):c.2374dup (p.Asp792fs)

Gene: FGFR3 (fibroblast growth factor receptor 3; plus strand). Cytogenetic location: 4p16.3.
Variant type: Duplication.
Coding change: c.2374dup on transcript NM_000142.5 (MANE Select); coding-DNA position 2374, one base duplicated (G; older notation c.2374dupG).
Protein change: p.Asp792fs; shifts the reading frame from aspartic acid 792.
Molecular consequence: frameshift variant. On other transcripts: non-coding transcript variant (1).
Genome position (GRCh38, 1-based): chr4:1,807,215, G duplicated. VCF-style (leftmost placement, unchanged base first): chr4-1807214-C-CG. GRCh37 (hg19) VCF-style: chr4-1808941-C-CG.
Other names: c.2374dupG (NM_000142.4); c.2380dup, p.Asp794fs (NM_001163213.2); c.2377dup, p.Asp793fs (NM_001354809.2); c.2306dup, p.Pro770fs (NM_001354810.2); c.2038dup, p.Asp680fs (NM_022965.4); short protein forms D680fs, D792fs, D794fs, P770fs, D793fs.
Identifiers: ClinVar variation 373088 (VCV000373088.1), dbSNP rs1057518205, ClinGen allele CA16042560.
Genomic context (GRCh38, chr4:1,807,214, plus strand): 5'-CCCGGGTGGCCAGGACACCCCCAGCTCCAGCTCCTCAGGGGACGACTCCGTGTTTGCCCA[C>CG]GACCTGCTGCCCCCGGCCCCACCCAGCAGTGGGGGCTCGCGGACGTGAAGGGCCACTGGT-3'